The following is an entry in ClinVar:

ClinVar aggregate classification (germline): Benign. Review status: criteria provided, multiple submitters, no conflicts (2 of 4 stars). 13 submissions from 13 submitters: Benign (10). 3 of the submissions do not count toward it. Last evaluated 2026-02-04.

Conditions:
Monogenic diabetes. Identifiers: Orphanet 183625, MedGen C3888631, MONDO:0015967.
Cardiovascular phenotype. Identifiers: MedGen CN230736.
Alstrom syndrome (ALMS). Identifiers: Orphanet 64, MedGen C0268425, MONDO:0008763, OMIM 203800.

Allele frequency attached by ClinVar (database versions not stated): gnomAD exomes 0.00169 and 0.00410; ExAC 0.00515; gnomAD 0.01678 and 0.01785; ESP Exome Variant Server 0.01760; TOPMed 0.01819; 1000 Genomes Project 0.01997; 1000 Genomes Project 30x 0.02139.
gnomAD v4.1: 5,078 of 1,610,408 alleles (0.32%); highest among the groups gnomAD compares: African/African-American, 5.9%; 153 homozygotes.

Submissions (16):

Labcorp Genetics (formerly Invitae), Labcorp
Classification: Benign for Alstrom syndrome. Last evaluated: 2026-02-04. Review status: criteria provided, single submitter. Criteria: Invitae Variant Classification Sherloc (09022015). Collection method: clinical testing. Allele origin: germline.

ARUP Laboratories, Molecular Genetics and Genomics, ARUP Laboratories
Classification: Benign for Alstrom syndrome. Last evaluated: 2025-07-08. Review status: criteria provided, single submitter. Criteria: ARUP Molecular Germline Variant Investigation Process 2024. Collection method: clinical testing. Allele origin: germline.

Athena Diagnostics
Classification: Benign. Last evaluated: 2019-03-21. Review status: criteria provided, single submitter. Criteria: Athena Diagnostics Criteria. Collection method: clinical testing. Allele origin: germline.

Personalized Diabetes Medicine Program, University of Maryland School of Medicine
Classification: Benign for Monogenic diabetes. Last evaluated: 2019-02-08. Review status: criteria provided, single submitter. Criteria: ACMG Guidelines, 2015. Collection method: research. Allele origin: unknown. Observed: 16 variant alleles, 16 heterozygotes.
Comment: ACMG criteria: BP4 (REVEL score 0.017 + 5 predictors, not using PP3/4 predictors), BA1 (5.7% in gnomAD African), BS2 (46 homozygotes in gnomAD), BP1 (most ALMS1 pathogenic variants are truncating)= benign

Ambry Genetics
Classification: Benign for Cardiovascular phenotype. Last evaluated: 2019-01-07. Review status: criteria provided, single submitter. Criteria: Ambry Variant Classification Scheme 2023. Collection method: clinical testing. Allele origin: germline.

GeneDx
Classification: Benign. Last evaluated: 2016-10-11. Review status: criteria provided, single submitter. Criteria: GeneDx Variant Classification (06012015). Collection method: clinical testing. Allele origin: germline. Affected: yes.
Comment: This variant is considered likely benign or benign based on one or more of the following criteria: it is a conservative change, it occurs at a poorly conserved position in the protein, it is predicted to be benign by multiple in silico algorithms, and/or has population frequency not consistent with disease.

Laboratory for Molecular Medicine, Mass General Brigham Personalized Medicine
Classification: Benign. Last evaluated: 2016-03-21. Review status: criteria provided, single submitter. Criteria: LMM Criteria. Collection method: clinical testing. Allele origin: germline. Observed: 4 variant alleles.
Comment: p.Thr1384Arg in exon 8 of ALMS1: This variant is not expected to have clinical s ignificance because it has been identified in 5.85% (573/9792) of African chromo somes by the Exome Aggregation Consortium (ExAC; dbSNP rs115517108).

Center for Pediatric Genomic Medicine, Children's Mercy Hospital and Clinics
Classification: Benign. Last evaluated: 2015-06-04. Review status: criteria provided, single submitter. Criteria: ACMG Guidelines, 2015. Collection method: clinical testing. Allele origin: germline.

Breakthrough Genomics
Classification: Benign. Review status: criteria provided, single submitter. Criteria: ACMG Guidelines, 2015. Collection method: not provided. Allele origin: germline. Inheritance: Autosomal recessive inheritance. Affected: yes.

Clinical Genomics, Uppaluri K&H Personalized Medicine Clinic
Classification: Benign for Alstrom syndrome. Review status: criteria provided, single submitter. Criteria: K & H Uppaluri Personalized Medicine Clinic Variant Classification & Assertion Criteria_Updated V.1. Collection method: research. Allele origin: unknown. Inheritance: Autosomal recessive inheritance.
Comment: Potent mutations in ALMS1 are associated with a rare condition called Alstrom syndrome. It can cause excessive eating, insulin resistance. However, no evidence is found to ascertain the role of rs115517108 in Alstrom syndrome yet.

Natera, Inc.
Classification: Benign for Alstrom syndrome. Last evaluated: 2020-09-16. Review status: no assertion criteria provided. Collection method: clinical testing. Allele origin: germline. Not counted in ClinVar's aggregate classification.

Dr. Peter K. Rogan Lab, Western University
No classification provided (evidence only). Condition: Lung cancer. Review status: no classification provided. Collection method: in vitro. Allele origin: not applicable. Functional consequence: retained intron. Not counted in ClinVar's aggregate classification.

Dr. Peter K. Rogan Lab, Western University
No classification provided (evidence only). Condition: Thymoma. Review status: no classification provided. Collection method: in vitro. Allele origin: not applicable. Functional consequence: retained intron. Not counted in ClinVar's aggregate classification.

Dr. Peter K. Rogan Lab, Western University
No classification provided (evidence only). Condition: Malignant tumor of esophagus. Review status: no classification provided. Collection method: in vitro. Allele origin: not applicable. Functional consequence: retained intron. Not counted in ClinVar's aggregate classification.

Genome Diagnostics Laboratory, University Medical Center Utrecht
Classification: Benign. Review status: no assertion criteria provided. Collection method: clinical testing. Allele origin: germline. Affected: yes. Study: VKGL Data-share Consensus. Not counted in ClinVar's aggregate classification.

Laboratory of Diagnostic Genome Analysis, Leiden University Medical Center (LUMC)
Classification: Likely benign. Review status: no assertion criteria provided. Collection method: clinical testing. Allele origin: germline. Affected: yes. Study: VKGL Data-share Consensus. Not counted in ClinVar's aggregate classification.

Literature cited by the submitters: PubMed 34148947 (cited by Clinical Genomics, Uppaluri K&H Personalized Medicine Clinic); PubMed 25846608 (cited by Clinical Genomics, Uppaluri K&H Personalized Medicine Clinic); PubMed 30421101 (cited by Clinical Genomics, Uppaluri K&H Personalized Medicine Clinic); PubMed 33669459 (cited by Clinical Genomics, Uppaluri K&H Personalized Medicine Clinic).

NM_001378454.1(ALMS1):c.4154C>G (p.Thr1385Arg)

Gene: ALMS1 (ALMS1 centrosome and basal body associated protein; plus strand). Cytogenetic location: 2p13.1.
Variant type: single nucleotide variant.
Coding change: c.4154C>G on transcript NM_001378454.1 (MANE Select); coding-DNA position 4154, C replaced by G.
Protein change: p.Thr1385Arg; replaces threonine 1385 with arginine.
Molecular consequence: missense variant.
Genome position (GRCh38, 1-based): chr2:73,450,681, C>G. VCF-style: chr2-73450681-C-G. GRCh37 (hg19) VCF-style: chr2-73677808-C-G.
Other names: c.4157C>G, p.Thr1386Arg (NM_015120.4); short protein forms T1386R, T1385R.
Identifiers: ClinVar variation 221015 (VCV000221015.30), dbSNP rs115517108, ClinGen allele CA349104.